The following is an entry in ClinVar:

ClinVar aggregate classification (germline): Uncertain significance (1 of 4 stars; one submission).

Conditions:
Autosomal recessive limb-girdle muscular dystrophy type 2F (LGMDR6). Also called: Muscular dystrophy limb-girdle with delta-sarcoglyan deficiency; MUSCULAR DYSTROPHY, LIMB-GIRDLE, AUTOSOMAL RECESSIVE 6. Identifiers: Orphanet 219, MedGen C1832525, MONDO:0011028, OMIM 601287. Disease mechanism: Affects gamma-sarcoglycan and also disrupts the integrity of the entire sarcoglycan complex..

Allele frequency attached by ClinVar (database versions not stated): gnomAD exomes below 0.00001; TOPMed below 0.00001; gnomAD 0.00001.
gnomAD v4.1: 4 of 1,587,590 alleles (0.00025%); highest among the groups gnomAD compares: African/African-American, 0.0013%; no homozygotes.

Submission:

Labcorp Genetics (formerly Invitae), Labcorp
Classification: Uncertain significance for Autosomal recessive limb-girdle muscular dystrophy type 2F. Last evaluated: 2021-10-08. Review status: criteria provided, single submitter. Criteria: Invitae Variant Classification Sherloc (09022015). Collection method: clinical testing. Allele origin: germline.
Comment: This sequence change replaces isoleucine with valine at codon 178 of the SGCD protein (p.Ile178Val). The isoleucine residue is moderately conserved and there is a small physicochemical difference between isoleucine and valine. This variant is not present in population databases (ExAC no frequency). This variant has not been reported in the literature in individuals affected with SGCD-related conditions. Algorithms developed to predict the effect of missense changes on protein structure and function (SIFT, PolyPhen-2, Align-GVGD) all suggest that this variant is likely to be tolerated. In summary, the available evidence is currently insufficient to determine the role of this variant in disease. Therefore, it has been classified as a Variant of Uncertain Significance.

NM_000337.6(SGCD):c.532A>G (p.Ile178Val)

Gene: SGCD (sarcoglycan delta; plus strand). Cytogenetic location: 5q33.3.
Variant type: single nucleotide variant.
Coding change: c.532A>G on transcript NM_000337.6 (MANE Select); coding-DNA position 532, A replaced by G.
Protein change: p.Ile178Val; replaces isoleucine 178 with valine.
Molecular consequence: missense variant.
Genome position (GRCh38, 1-based): chr5:156,647,493, A>G. VCF-style: chr5-156647493-A-G. GRCh37 (hg19) VCF-style: chr5-156074503-A-G.
Other names: c.529A>G, p.Ile177Val (NM_001128209.2); c.532A>G, p.Ile178Val (NM_172244.3); short protein forms I177V, I178V.
Identifiers: ClinVar variation 1397306 (VCV001397306.3), dbSNP rs1200525320, ClinGen allele CA362008214.